The following is an entry in ClinVar:

ClinVar aggregate classification (germline): Uncertain significance (1 of 4 stars; one submission).

Allele frequency attached by ClinVar (database versions not stated): TOPMed below 0.00001; ExAC 0.00001; gnomAD exomes 0.00001; gnomAD 0.00002.
gnomAD v4.1: 24 of 1,613,968 alleles (0.0015%); highest among the groups gnomAD compares: Non-Finnish European, 0.0014%; no homozygotes.

Submission:

Labcorp Genetics (formerly Invitae), Labcorp
Classification: Uncertain significance. Last evaluated: 2025-03-13. Review status: criteria provided, single submitter. Criteria: Invitae Variant Classification Sherloc (09022015). Collection method: clinical testing. Allele origin: germline.
Comment: This sequence change replaces glutamic acid, which is acidic and polar, with valine, which is neutral and non-polar, at codon 354 of the JAK1 protein (p.Glu354Val). This variant is present in population databases (rs559606416, gnomAD 0.002%). This variant has not been reported in the literature in individuals affected with JAK1-related conditions. ClinVar contains an entry for this variant (Variation ID: 1903804). Invitae Evidence Modeling of protein sequence and biophysical properties (such as structural, functional, and spatial information, amino acid conservation, physicochemical variation, residue mobility, and thermodynamic stability) indicates that this missense variant is not expected to disrupt JAK1 protein function with a negative predictive value of 80%. In summary, the available evidence is currently insufficient to determine the role of this variant in disease. Therefore, it has been classified as a Variant of Uncertain Significance.

NM_002227.4(JAK1):c.1061A>T (p.Glu354Val)

Gene: JAK1 (Janus kinase 1; minus strand). Cytogenetic location: 1p31.3.
Variant type: single nucleotide variant.
Coding change: c.1061A>T on transcript NM_002227.4 (MANE Select); coding-DNA position 1061, A replaced by T.
Protein change: p.Glu354Val; replaces glutamic acid 354 with valine.
Molecular consequence: missense variant.
Genome position (GRCh38, 1-based): chr1:64,864,902, T>A on the plus strand (A>T on the coding strand, the complement: JAK1 is on the minus strand). VCF-style: chr1-64864902-T-A. GRCh37 (hg19) VCF-style: chr1-65330585-T-A.
Other names: c.1061A>T, p.Glu354Val (NM_001320923.2, NM_001321852.2, NM_001321853.2 and 4 more transcripts); short protein forms E354V.
Identifiers: ClinVar variation 1903804 (VCV001903804.5), dbSNP rs559606416, ClinGen allele CA893036.
Genomic context (GRCh38, chr1:64,864,902, plus strand): 5'-TGAGTGATTTCAGGGAAGTAAGAAAAATTGTTCCACTCTTCCCGGATCTTGTTTTTCTCC[T>A]CATCCTTCTTGTGTTTATTTTCCAGTTTTTTCCGCTTCAGTTTATTTTTTTCCTTTTCAA-3'
Protein context (NP_002218.2, residues 344-364): KKLENKHKKD[Glu354Val]EKNKIREEWN